The following is an entry in ClinVar:

ClinVar aggregate classification (germline): Pathogenic/Likely pathogenic. Review status: criteria provided, multiple submitters, no conflicts (2 of 4 stars). 2 submissions from 2 submitters: Pathogenic (1); Likely pathogenic (1). Last evaluated 2024-07-15.

Conditions:
Epilepsy, early-onset, with or without developmental delay. Identifiers: MedGen C5882670, MONDO:0030005, OMIM 618832.

gnomAD v4.1: 1 of 1,614,066 alleles (0.000062%); highest among the groups gnomAD compares: Non-Finnish European, 0.000085%; no homozygotes.

Submissions (2):

GeneDx
Classification: Pathogenic. Last evaluated: 2024-07-15. Review status: criteria provided, single submitter. Criteria: GeneDx Variant Classification Process June 2021. Collection method: clinical testing. Allele origin: germline. Affected: yes.
Comment: Observed in an individual with schizophrenia, but familial segregation information and additional clinical information were not included (PMID: 26974950); Nonsense variant predicted to result in protein truncation or nonsense mediated decay in a gene for which loss of function is a known mechanism of disease; Not observed at significant frequency in large population cohorts (gnomAD); This variant is associated with the following publications: (PMID: 35982159, 33057194, 34803610, 32346159, 26974950)

MGZ Medical Genetics Center
Classification: Likely pathogenic for Epilepsy, early-onset, with or without developmental delay. Last evaluated: 2022-03-28. Review status: criteria provided, single submitter. Criteria: ACMG Guidelines, 2015. Collection method: clinical testing. Allele origin: germline. Affected: yes. Observed: 1 variant allele.
Comment: ACMG criteria applied: PVS1, PM2_SUP

NM_014712.3(SETD1A):c.2968C>T (p.Arg990Ter)

Gene: SETD1A (SET domain containing 1A, histone lysine methyltransferase; plus strand). Cytogenetic location: 16p11.2.
Variant type: single nucleotide variant.
Coding change: c.2968C>T on transcript NM_014712.3 (MANE Select); coding-DNA position 2968, C replaced by T.
Protein change: p.Arg990Ter; replaces arginine 990 with a stop codon.
Molecular consequence: nonsense.
Genome position (GRCh38, 1-based): chr16:30,969,641, C>T. VCF-style: chr16-30969641-C-T. GRCh37 (hg19) VCF-style: chr16-30980962-C-T.
Other names: c.2968C>T (NM_014712.1); short protein forms R990*.
Identifiers: ClinVar variation 1709342 (VCV001709342.3), dbSNP rs61744449, ClinGen allele CA8017117.